The following is an entry in ClinVar:

ClinVar aggregate classification (germline): Uncertain significance (1 of 4 stars; one submission).

Conditions:
Rubinstein-Taybi syndrome (RSTS). Identifiers: Orphanet 783, MedGen C0035934, MONDO:0019188.

gnomAD v4.1: 2 of 1,614,236 alleles (0.00012%); highest among the groups gnomAD compares: Non-Finnish European, 0.000085%; no homozygotes.

Submission:

Labcorp Genetics (formerly Invitae), Labcorp
Classification: Uncertain significance for Rubinstein-Taybi syndrome. Last evaluated: 2023-11-22. Review status: criteria provided, single submitter. Criteria: Invitae Variant Classification Sherloc (09022015). Collection method: clinical testing. Allele origin: germline.
Comment: This sequence change replaces methionine, which is neutral and non-polar, with valine, which is neutral and non-polar, at codon 209 of the CREBBP protein (p.Met209Val). This variant is not present in population databases (gnomAD no frequency). This variant has not been reported in the literature in individuals affected with CREBBP-related conditions. Advanced modeling of protein sequence and biophysical properties (such as structural, functional, and spatial information, amino acid conservation, physicochemical variation, residue mobility, and thermodynamic stability) performed at Invitae indicates that this missense variant is not expected to disrupt CREBBP protein function with a negative predictive value of 80%. In summary, the available evidence is currently insufficient to determine the role of this variant in disease. Therefore, it has been classified as a Variant of Uncertain Significance.

NM_004380.3(CREBBP):c.625A>G (p.Met209Val)

Gene: CREBBP (CREB binding lysine acetyltransferase; minus strand). Cytogenetic location: 16p13.3.
Variant type: single nucleotide variant.
Coding change: c.625A>G on transcript NM_004380.3 (MANE Select); coding-DNA position 625, A replaced by G.
Protein change: p.Met209Val; replaces methionine 209 with valine.
Molecular consequence: missense variant.
Genome position (GRCh38, 1-based): chr16:3,850,470, T>C on the plus strand (A>G on the coding strand, the complement: CREBBP is on the minus strand). VCF-style: chr16-3850470-T-C. GRCh37 (hg19) VCF-style: chr16-3900471-T-C.
Other names: c.625A>G, p.Met209Val (NM_001079846.1); short protein forms M209V.
Identifiers: ClinVar variation 2772743 (VCV002772743.3), dbSNP rs2548544541, ClinGen allele CA394559891.